The following is an entry in ClinVar:

ClinVar aggregate classification (germline): Benign (1 of 4 stars; one submission).

Allele frequency attached by ClinVar (database versions not stated): gnomAD exomes 0.00004; 1000 Genomes Project 30x 0.00016; 1000 Genomes Project 0.00020; TOPMed 0.00063; gnomAD 0.00070.

Submission:

CeGaT Center for Human Genetics Tuebingen
Classification: Benign. Last evaluated: 2022-06-01. Review status: criteria provided, single submitter. Criteria: CeGaT Center For Human Genetics Tuebingen Variant Classification Criteria Version 2. Collection method: clinical testing. Allele origin: germline. Affected: yes. Observed: 1 variant allele.
Comment: NF1: BS1, BS2

NC_000017.11:g.31378926C>T

Gene: NF1 (neurofibromin 1; plus strand). Cytogenetic location: 17q11.2.
Variant type: single nucleotide variant.
Genome position: GRCh38 VCF-style: chr17-31378926-C-T. GRCh37 (hg19) VCF-style: chr17-29705944-C-T.
Identifiers: ClinVar variation 2647643 (VCV002647643.24), dbSNP rs192683302, ClinGen allele CA8487841.